The following is an entry in ClinVar:

NM_018896.5(CACNA1G):c.2384T>A (p.Leu795His)

Gene: CACNA1G (calcium voltage-gated channel subunit alpha1 G; plus strand). Cytogenetic location: 17q21.33.
Variant type: single nucleotide variant.
Coding change: c.2384T>A on transcript NM_018896.5 (MANE Select); coding-DNA position 2384, T replaced by A.
Protein change: p.Leu795His; replaces leucine 795 with histidine.
Molecular consequence: missense variant. On other transcripts: non-coding transcript variant (5).
Genome position (GRCh38, 1-based): chr17:50,590,553, T>A. VCF-style: chr17-50590553-T-A. GRCh37 (hg19) VCF-style: chr17-48667914-T-A.
Other names: c.2384T>A, p.Leu795His (NM_001256324.2, NM_001256325.2, NM_001256326.2 and 24 more transcripts); short protein forms L795H.
Identifiers: ClinVar variation 2153986 (VCV002153986.4), dbSNP rs2545190203, ClinGen allele CA400247984.

ClinVar aggregate classification (germline): Uncertain significance (1 of 4 stars; one submission).

Submission:

Labcorp Genetics (formerly Invitae), Labcorp
Classification: Uncertain significance. Last evaluated: 2022-10-13. Review status: criteria provided, single submitter. Criteria: Invitae Variant Classification Sherloc (09022015). Collection method: clinical testing. Allele origin: germline.
Comment: This sequence change replaces leucine, which is neutral and non-polar, with histidine, which is basic and polar, at codon 795 of the CACNA1G protein (p.Leu795His). This variant is not present in population databases (gnomAD no frequency). This variant has not been reported in the literature in individuals affected with CACNA1G-related conditions. Algorithms developed to predict the effect of missense changes on protein structure and function (SIFT, PolyPhen-2, Align-GVGD) all suggest that this variant is likely to be disruptive. In summary, the available evidence is currently insufficient to determine the role of this variant in disease. Therefore, it has been classified as a Variant of Uncertain Significance.